The following is an entry in ClinVar:

ClinVar aggregate classification (germline): Uncertain significance (1 of 4 stars; one submission).

Allele frequency attached by ClinVar (database versions not stated): gnomAD exomes below 0.00001; gnomAD 0.00001; TOPMed 0.00001.
gnomAD v4.1: 4 of 1,551,024 alleles (0.00026%); highest among the groups gnomAD compares: African/African-American, 0.0041%; no homozygotes.

Submission:

Labcorp Genetics (formerly Invitae), Labcorp
Classification: Uncertain significance. Last evaluated: 2023-09-13. Review status: criteria provided, single submitter. Criteria: Invitae Variant Classification Sherloc (09022015). Collection method: clinical testing. Allele origin: germline.
Comment: Algorithms developed to predict the effect of sequence changes on RNA splicing suggest that this variant is not likely to affect RNA splicing. In summary, the available evidence is currently insufficient to determine the role of this variant in disease. Therefore, it has been classified as a Variant of Uncertain Significance. This sequence change affects codon 1461 of the UNC80 mRNA. It is a 'silent' change, meaning that it does not change the encoded amino acid sequence of the UNC80 protein. It affects a nucleotide within the consensus splice site. This variant is not present in population databases (gnomAD no frequency). This variant has not been reported in the literature in individuals affected with UNC80-related conditions. ClinVar contains an entry for this variant (Variation ID: 1427147).

NM_001371986.1(UNC80):c.4581T>C (p.His1527=)

Gene: UNC80 (unc-80 homolog, NALCN channel complex subunit; plus strand). Cytogenetic location: 2q34.
Variant type: single nucleotide variant.
Coding change: c.4581T>C on transcript NM_001371986.1 (MANE Select); coding-DNA position 4581, T replaced by C.
Protein change: p.His1527=; no amino-acid change (histidine 1527 retained).
Molecular consequence: synonymous variant.
Genome position (GRCh38, 1-based): chr2:209,896,413, T>C. VCF-style: chr2-209896413-T-C. GRCh37 (hg19) VCF-style: chr2-210761137-T-C.
Other names: c.4383T>C, p.His1461= (NM_032504.2); c.4368T>C, p.His1456= (NM_182587.4).
Identifiers: ClinVar variation 1427147 (VCV001427147.5), dbSNP rs996946967, ClinGen allele CA65037917.
Genomic context (GRCh38, chr2:209,896,413, plus strand): 5'-AGAGGGAATGAGTAATGCCGGCGCGGAGGAGAATTACCACAGAAACATGTCGTGGCTTCA[T>C]GTAAGTAGGAATCTCAGAAACAGCCCTGAGATCAATTTCTTTTGGCACTGGGGAAGATCC-3'
Protein context (NP_001358915.1, residues 1517-1537): ENYHRNMSWL[His1527=]VMILLCNQQS